The following is an entry in ClinVar:

NM_005559.4(LAMA1):c.4514G>A (p.Ser1505Asn)

Gene: LAMA1 (laminin subunit alpha 1; minus strand). Cytogenetic location: 18p11.31.
Variant type: single nucleotide variant.
Coding change: c.4514G>A on transcript NM_005559.4 (MANE Select); coding-DNA position 4514, G replaced by A.
Protein change: p.Ser1505Asn; replaces serine 1505 with asparagine.
Molecular consequence: missense variant.
Genome position (GRCh38, 1-based): chr18:6,999,594, C>T on the plus strand (G>A on the coding strand, the complement: LAMA1 is on the minus strand). VCF-style: chr18-6999594-C-T. GRCh37 (hg19) VCF-style: chr18-6999593-C-T.
Other names: short protein forms S1505N.
Identifiers: ClinVar variation 4074540 (VCV004074540.1).

ClinVar aggregate classification (germline): Uncertain significance (1 of 4 stars; one submission).

Submission:

GeneDx
Classification: Uncertain significance. Last evaluated: 2025-02-06. Review status: criteria provided, single submitter. Criteria: GeneDx Variant Classification Process June 2021. Collection method: clinical testing. Allele origin: germline. Affected: yes.
Comment: Not observed at significant frequency in large population cohorts (gnomAD); In silico analysis indicates that this missense variant does not alter protein structure/function; Has not been previously published as pathogenic or benign to our knowledge